The following is an entry in ClinVar:

ClinVar aggregate classification (germline): Uncertain significance. Review status: criteria provided, multiple submitters, no conflicts (2 of 4 stars). 2 submissions from 2 submitters: Uncertain significance (2). Last evaluated 2023-09-29.

Allele frequency attached by ClinVar (database versions not stated): gnomAD 0.00001; gnomAD exomes 0.00001; ExAC 0.00002.

Submissions (2):

Labcorp Genetics (formerly Invitae), Labcorp
Classification: Uncertain significance. Last evaluated: 2023-09-29. Review status: criteria provided, single submitter. Criteria: Invitae Variant Classification Sherloc (09022015). Collection method: clinical testing. Allele origin: germline.
Comment: This sequence change replaces threonine, which is neutral and polar, with alanine, which is neutral and non-polar, at codon 151 of the SLC25A12 protein (p.Thr151Ala). This variant is present in population databases (rs757897523, gnomAD 0.006%). This variant has not been reported in the literature in individuals affected with SLC25A12-related conditions. ClinVar contains an entry for this variant (Variation ID: 944889). Advanced modeling of protein sequence and biophysical properties (such as structural, functional, and spatial information, amino acid conservation, physicochemical variation, residue mobility, and thermodynamic stability) performed at Invitae indicates that this missense variant is not expected to disrupt SLC25A12 protein function. In summary, the available evidence is currently insufficient to determine the role of this variant in disease. Therefore, it has been classified as a Variant of Uncertain Significance.

Breakthrough Genomics
Classification: Uncertain significance. Review status: criteria provided, single submitter. Criteria: ACMG Guidelines, 2015. Collection method: not provided. Allele origin: germline. Inheritance: Autosomal recessive inheritance. Affected: yes.

NM_003705.5(SLC25A12):c.451A>G (p.Thr151Ala)

Gene: SLC25A12 (solute carrier family 25 member 12; minus strand). Cytogenetic location: 2q31.1.
Variant type: single nucleotide variant.
Coding change: c.451A>G on transcript NM_003705.5 (MANE Select); coding-DNA position 451, A replaced by G.
Protein change: p.Thr151Ala; replaces threonine 151 with alanine.
Molecular consequence: missense variant. On other transcripts: non-coding transcript variant (1).
Genome position (GRCh38, 1-based): chr2:171,844,383, T>C on the plus strand (A>G on the coding strand, the complement: SLC25A12 is on the minus strand). VCF-style: chr2-171844383-T-C. GRCh37 (hg19) VCF-style: chr2-172700893-T-C.
Other names: short protein forms T151A.
Identifiers: ClinVar variation 944889 (VCV000944889.8), dbSNP rs757897523, ClinGen allele CA1966392.